The following is an entry in ClinVar:

ClinVar aggregate classification (germline): Uncertain significance (1 of 4 stars; one submission).

Allele frequency attached by ClinVar (database versions not stated): gnomAD exomes below 0.00001; ExAC 0.00001.
gnomAD v4.1: 1 of 1,601,864 alleles (0.000062%); highest among the groups gnomAD compares: Admixed American, 0.0017%; no homozygotes.

Submission:

Labcorp Genetics (formerly Invitae), Labcorp
Classification: Uncertain significance. Last evaluated: 2021-09-19. Review status: criteria provided, single submitter. Criteria: Invitae Variant Classification Sherloc (09022015). Collection method: clinical testing. Allele origin: germline.
Comment: This sequence change falls in intron 2 of the GABRB1 gene. It does not directly change the encoded amino acid sequence of the GABRB1 protein. It affects a nucleotide within the consensus splice site of the intron. This variant is present in population databases (rs761179801, ExAC 0.009%). In summary, the available evidence is currently insufficient to determine the role of this variant in disease. Therefore, it has been classified as a Variant of Uncertain Significance. Variants that disrupt the consensus splice site are a relatively common cause of aberrant splicing (PMID: 17576681, 9536098). Algorithms developed to predict the effect of sequence changes on RNA splicing suggest that this variant is not likely to affect RNA splicing. This variant has not been reported in the literature in individuals affected with GABRB1-related conditions.

Literature cited by the submitters: PubMed 17576681; PubMed 9536098.

NM_000812.4(GABRB1):c.172+6G>T

Gene: GABRB1 (gamma-aminobutyric acid type A receptor subunit beta1; plus strand). Cytogenetic location: 4p12.
Variant type: single nucleotide variant.
Coding change: c.172+6G>T on transcript NM_000812.4 (MANE Select); 6 bases into the intron after coding-DNA position 172, G replaced by T.
Molecular consequence: intron variant.
Genome position (GRCh38, 1-based): chr4:47,032,011, G>T. VCF-style: chr4-47032011-G-T. GRCh37 (hg19) VCF-style: chr4-47034028-G-T.
Identifiers: ClinVar variation 1471709 (VCV001471709.6), dbSNP rs761179801, ClinGen allele CA2907443.